The following is an entry in ClinVar:

NM_001353921.2(ARHGEF9):c.1016A>G (p.Tyr339Cys)

Gene: ARHGEF9 (Cdc42 guanine nucleotide exchange factor 9; minus strand). Cytogenetic location: Xq11.1.
Variant type: single nucleotide variant.
Coding change: c.1016A>G on transcript NM_001353921.2 (MANE Select); coding-DNA position 1016, A replaced by G.
Protein change: p.Tyr339Cys; replaces tyrosine 339 with cysteine.
Molecular consequence: missense variant. On other transcripts: intron variant (5).
Genome position (GRCh38, 1-based): chrX:63,665,947, T>C on the plus strand (A>G on the coding strand, the complement: ARHGEF9 is on the minus strand). VCF-style: chrX-63665947-T-C. GRCh37 (hg19) VCF-style: chrX-62885827-T-C.
Other names: c.836A>G, p.Tyr279Cys (NM_001173479.2); c.689A>G, p.Tyr230Cys (NM_001173480.2, NM_001369042.1); c.932A>G, p.Tyr311Cys (NM_001330495.2, NM_001369033.1, NM_001369034.1 and 6 more transcripts); c.815A>G, p.Tyr272Cys (NM_001353926.2, NM_001353924.2, NM_001369039.1 and 1 more transcripts); c.995A>G, p.Tyr332Cys (NM_001369030.1, NM_001369031.1, NM_001369032.1 and 1 more transcripts); c.1034A>G, p.Tyr345Cys (NM_001353923.1); c.945+8091A>G (NM_001353922.2); c.861+8091A>G (NM_001369041.1, NM_001353927.2); and 3 more; short protein forms Y230C, Y272C, Y279C, Y311C, Y332C, Y339C, Y345C.
Identifiers: ClinVar variation 1714713 (VCV001714713.7), dbSNP rs2519681676, ClinGen allele CA413405615.

ClinVar aggregate classification (germline): Conflicting classifications of pathogenicity. Review status: criteria provided, conflicting classifications (1 of 4 stars). 2 submissions from 2 submitters: Uncertain significance (1); Likely benign (1). Last evaluated 2025-02-20.

Conditions:
Developmental and epileptic encephalopathy, 8 (DEE8). Also called: HYPEREKPLEXIA AND EPILEPSY. Identifiers: Orphanet 163985, Orphanet 2076, MedGen C1845102, MONDO:0010375, OMIM 300607.

Submissions (2):

GeneDx
Classification: Uncertain significance. Last evaluated: 2025-02-20. Review status: criteria provided, single submitter. Criteria: GeneDx Variant Classification Process June 2021. Collection method: clinical testing. Allele origin: germline. Affected: yes.
Comment: Not observed at significant frequency in large population cohorts (gnomAD); In silico analysis indicates that this missense variant does not alter protein structure/function; Has not been previously published as pathogenic or benign to our knowledge

Labcorp Genetics (formerly Invitae), Labcorp
Classification: Likely benign for Developmental and epileptic encephalopathy, 8. Last evaluated: 2023-12-30. Review status: criteria provided, single submitter. Criteria: Invitae Variant Classification Sherloc (09022015). Collection method: clinical testing. Allele origin: germline.